The following is an entry in ClinVar:

ClinVar aggregate classification (germline): Uncertain significance (1 of 4 stars; one submission).

Conditions:
Juvenile polyposis syndrome (JPS). Identifiers: Orphanet 2929, MedGen C0345893, MONDO:0017380, OMIM 174900.

Submission:

Labcorp Genetics (formerly Invitae), Labcorp
Classification: Uncertain significance for Juvenile polyposis syndrome. Last evaluated: 2018-12-26. Review status: criteria provided, single submitter. Criteria: Invitae Variant Classification Sherloc (09022015). Collection method: clinical testing. Allele origin: germline.
Comment: This sequence change falls in intron 6 of the BMPR1A gene. It does not directly change the encoded amino acid sequence of the BMPR1A protein. This variant is not present in population databases (ExAC no frequency). This variant has been observed to segregate with juvenile polyposis syndrome (JPS) in a family (Invitae). Algorithms developed to predict the effect of sequence changes on RNA splicing suggest that this variant may disrupt the consensus splice site, but this prediction has not been confirmed by published transcriptional studies. In summary, the available evidence is currently insufficient to determine the role of this variant in disease. Therefore, it has been classified as a Variant of Uncertain Significance.

NM_004329.3(BMPR1A):c.431-6T>A

Gene: BMPR1A (bone morphogenetic protein receptor type 1A; plus strand). Cytogenetic location: 10q23.2.
Variant type: single nucleotide variant.
Coding change: c.431-6T>A on transcript NM_004329.3 (MANE Select); 6 bases into the intron before coding-DNA position 431, T replaced by A.
Molecular consequence: intron variant.
Genome position (GRCh38, 1-based): chr10:86,900,021, T>A. VCF-style: chr10-86900021-T-A. GRCh37 (hg19) VCF-style: chr10-88659778-T-A.
Identifiers: ClinVar variation 649526 (VCV000649526.10), dbSNP rs1589768166, ClinGen allele CA915947539.